The following is an entry in ClinVar:

ClinVar aggregate classification (germline): Pathogenic. Review status: criteria provided, multiple submitters, no conflicts (2 of 4 stars). 2 submissions from 2 submitters: Pathogenic (2). Last evaluated 2024-01-09.

Conditions:
Duchenne muscular dystrophy (DMD). Also called: MUSCULAR DYSTROPHY, PSEUDOHYPERTROPHIC PROGRESSIVE, DUCHENNE TYPE; Duchenne Muscular Dystrophy (DMD). Identifiers: Orphanet 98896, MedGen C0013264, MONDO:0010679, OMIM 310200.

Submissions (2):

GeneDx
Classification: Pathogenic. Last evaluated: 2024-01-09. Review status: criteria provided, single submitter. Criteria: GeneDx Variant Classification Process June 2021. Collection method: clinical testing. Allele origin: germline. Affected: yes.
Comment: Published functional studies demonstrate a loss of dystrophin protein (PMID: 11524473); Nonsense variant predicted to result in protein truncation or nonsense mediated decay in a gene for which loss of function is a known mechanism of disease; Not observed at significant frequency in large population cohorts (gnomAD); This variant is associated with the following publications: (PMID: 11524473, 19937601, 15643612, 34629887)

Labcorp Genetics (formerly Invitae), Labcorp
Classification: Pathogenic for Duchenne muscular dystrophy. Last evaluated: 2023-06-05. Review status: criteria provided, single submitter. Criteria: Invitae Variant Classification Sherloc (09022015). Collection method: clinical testing. Allele origin: germline.
Comment: This sequence change creates a premature translational stop signal (p.Glu767*) in the DMD gene. It is expected to result in an absent or disrupted protein product. Loss-of-function variants in DMD are known to be pathogenic (PMID: 16770791, 25007885). This variant is not present in population databases (gnomAD no frequency). For these reasons, this variant has been classified as Pathogenic. This premature translational stop signal has been observed in individual(s) with Duchenne muscular dystrophy (PMID: 11524473).

Literature cited by the submitters: PubMed 16770791 (cited by Labcorp Genetics (formerly Invitae), Labcorp); PubMed 25007885 (cited by Labcorp Genetics (formerly Invitae), Labcorp); PubMed 11524473 (cited by Labcorp Genetics (formerly Invitae), Labcorp).

NM_004006.3(DMD):c.2299G>T (p.Glu767Ter)

Gene: DMD (dystrophin; minus strand). Cytogenetic location: Xp21.1.
Variant type: single nucleotide variant.
Coding change: c.2299G>T on transcript NM_004006.3 (MANE Select); coding-DNA position 2299, G replaced by T.
Protein change: p.Glu767Ter; replaces glutamic acid 767 with a stop codon.
Molecular consequence: nonsense.
Genome position (GRCh38, 1-based): chrX:32,501,836, C>A on the plus strand (G>T on the coding strand, the complement: DMD is on the minus strand). VCF-style: chrX-32501836-C-A. GRCh37 (hg19) VCF-style: chrX-32519953-C-A.
Other names: c.2275G>T, p.Glu759Ter (NM_000109.4); c.2287G>T, p.Glu763Ter (NM_004009.3); c.1930G>T, p.Glu644Ter (NM_004010.3); short protein forms E644*, E759*, E763*, E767*.
Identifiers: ClinVar variation 2737170 (VCV002737170.4), dbSNP rs2148691615, ClinGen allele CA412673717.